The following is an entry in ClinVar:

NM_007347.5(AP4E1):c.702+5G>A

Gene: AP4E1 (adaptor related protein complex 4 subunit epsilon 1; plus strand). Cytogenetic location: 15q21.2.
Variant type: single nucleotide variant.
Coding change: c.702+5G>A on transcript NM_007347.5 (MANE Select); 5 bases into the intron after coding-DNA position 702, G replaced by A.
Molecular consequence: intron variant.
Genome position (GRCh38, 1-based): chr15:50,929,173, G>A. VCF-style: chr15-50929173-G-A. GRCh37 (hg19) VCF-style: chr15-51221370-G-A.
Other names: c.477+5G>A (NM_001252127.2).
Identifiers: ClinVar variation 2194141 (VCV002194141.4), dbSNP rs377644217, ClinGen allele CA7558833.

ClinVar aggregate classification (germline): Uncertain significance (1 of 4 stars; one submission).

Conditions:
Spastic paraplegia. Identifiers: MedGen C0037772, HP:0001258.

Allele frequency attached by ClinVar (database versions not stated): ExAC 0.00001; gnomAD exomes 0.00001; TOPMed 0.00001; gnomAD 0.00003; ESP Exome Variant Server 0.00008.
gnomAD v4.1: 8 of 1,613,266 alleles (0.0005%); highest among the groups gnomAD compares: African/African-American, 0.004%; no homozygotes.

Submission:

Labcorp Genetics (formerly Invitae), Labcorp
Classification: Uncertain significance for Spastic paraplegia. Last evaluated: 2023-02-14. Review status: criteria provided, single submitter. Criteria: Invitae Variant Classification Sherloc (09022015). Collection method: clinical testing. Allele origin: germline.
Comment: This sequence change falls in intron 6 of the AP4E1 gene. It does not directly change the encoded amino acid sequence of the AP4E1 protein. It affects a nucleotide within the consensus splice site. This variant is present in population databases (rs377644217, gnomAD 0.002%). This variant has not been reported in the literature in individuals affected with AP4E1-related conditions. Variants that disrupt the consensus splice site are a relatively common cause of aberrant splicing (PMID: 17576681, 9536098). Algorithms developed to predict the effect of sequence changes on RNA splicing suggest that this variant may disrupt the consensus splice site. In summary, the available evidence is currently insufficient to determine the role of this variant in disease. Therefore, it has been classified as a Variant of Uncertain Significance.

Literature cited by the submitters: PubMed 17576681; PubMed 9536098.